The following is an entry in ClinVar:

ClinVar aggregate classification (germline): Uncertain significance (1 of 4 stars; one submission).

Conditions:
Hereditary cancer-predisposing syndrome. Also called: Neoplastic Syndromes, Hereditary; Tumor predisposition; Hereditary neoplastic syndrome; Hereditary Cancer Syndrome. Identifiers: Orphanet 140162, MedGen C0027672, MeSH D009386, MONDO:0015356.

Submission:

Ambry Genetics
Classification: Uncertain significance for Hereditary cancer-predisposing syndrome. Last evaluated: 2023-12-26. Review status: criteria provided, single submitter. Criteria: Ambry Variant Classification Scheme 2023. Collection method: clinical testing. Allele origin: germline.
Comment: The p.S89C variant (also known as c.266C>G), located in coding exon 1 of the HOXB13 gene, results from a C to G substitution at nucleotide position 266. The serine at codon 89 is replaced by cysteine, an amino acid with dissimilar properties. This amino acid position is conserved. In addition, this alteration is predicted to be tolerated by in silico analysis. Since supporting evidence is limited at this time, the clinical significance of this alteration remains unclear.

NM_006361.6(HOXB13):c.266C>G (p.Ser89Cys)

Gene: HOXB13 (homeobox B13; minus strand). Cytogenetic location: 17q21.32.
Variant type: single nucleotide variant.
Coding change: c.266C>G on transcript NM_006361.6 (MANE Select); coding-DNA position 266, C replaced by G.
Protein change: p.Ser89Cys; replaces serine 89 with cysteine.
Molecular consequence: missense variant.
Genome position (GRCh38, 1-based): chr17:48,728,328, G>C on the plus strand (C>G on the coding strand, the complement: HOXB13 is on the minus strand). VCF-style: chr17-48728328-G-C. GRCh37 (hg19) VCF-style: chr17-46805690-G-C.
Other names: short protein forms S89C.
Identifiers: ClinVar variation 3225534 (VCV003225534.1), dbSNP rs2509515559, ClinGen allele CA400107803.